The following is an entry in ClinVar:

ClinVar aggregate classification (germline): Uncertain significance (1 of 4 stars; one submission).

Submission:

Labcorp Genetics (formerly Invitae), Labcorp
Classification: Uncertain significance. Last evaluated: 2023-02-22. Review status: criteria provided, single submitter. Criteria: Invitae Variant Classification Sherloc (09022015). Collection method: clinical testing. Allele origin: germline.
Comment: This missense change has been observed in individual(s) with clinical features of FN1-related conditions (Invitae). This variant is not present in population databases (gnomAD no frequency). This sequence change replaces cysteine, which is neutral and slightly polar, with serine, which is neutral and polar, at codon 213 of the FN1 protein (p.Cys213Ser). Advanced modeling of protein sequence and biophysical properties (such as structural, functional, and spatial information, amino acid conservation, physicochemical variation, residue mobility, and thermodynamic stability) performed at Invitae indicates that this missense variant is expected to disrupt FN1 protein function. In summary, the available evidence is currently insufficient to determine the role of this variant in disease. Therefore, it has been classified as a Variant of Uncertain Significance. This variant disrupts the p.Cys213 amino acid residue in FN1. Other variant(s) that disrupt this residue have been determined to be pathogenic (PMID: 30599297; Invitae). This suggests that this residue is clinically significant, and that variants that disrupt this residue are likely to be disease-causing.

Literature cited by the submitters: PubMed 30599297.

NM_212482.4(FN1):c.638G>C (p.Cys213Ser)

Gene: FN1 (fibronectin 1; minus strand). Cytogenetic location: 2q35.
Variant type: single nucleotide variant.
Coding change: c.638G>C on transcript NM_212482.4 (MANE Select); coding-DNA position 638, G replaced by C.
Protein change: p.Cys213Ser; replaces cysteine 213 with serine.
Molecular consequence: missense variant.
Genome position (GRCh38, 1-based): chr2:215,430,762, C>G on the plus strand (G>C on the coding strand, the complement: FN1 is on the minus strand). VCF-style: chr2-215430762-C-G. GRCh37 (hg19) VCF-style: chr2-216295485-C-G.
Other names: c.638G>C, p.Cys213Ser (NM_001306129.2, NM_001306130.2, NM_001306131.2 and 14 more transcripts); short protein forms C213S.
Identifiers: ClinVar variation 2831339 (VCV002831339.3), dbSNP rs1559604072, ClinGen allele CA350475464.